The following is an entry in ClinVar:

NM_001048174.2(MUTYH):c.80A>C (p.Lys27Thr)

Gene: MUTYH (mutY DNA glycosylase; minus strand). Cytogenetic location: 1p34.1.
Variant type: single nucleotide variant.
Coding change: c.80A>C on transcript NM_001048174.2 (MANE Select); coding-DNA position 80, A replaced by C.
Protein change: p.Lys27Thr; replaces lysine 27 with threonine.
Molecular consequence: missense variant. On other transcripts: 5 prime UTR variant (7), non-coding transcript variant (7).
Genome position (GRCh38, 1-based): chr1:45,334,426, T>G on the plus strand (A>C on the coding strand, the complement: MUTYH is on the minus strand). VCF-style: chr1-45334426-T-G. GRCh37 (hg19) VCF-style: chr1-45800098-T-G.
Other names: c.80A>C, p.Lys27Thr (NM_001407083.1, NM_001407085.1, NM_001407086.1 and 15 more transcripts); c.98A>C, p.Lys33Thr (NM_001407087.1); c.-133A>C (NM_001407091.1, NM_001293192.2, NM_001293196.2); c.122A>C, p.Lys41Thr (NM_012222.3, NM_001128425.2, NM_001293190.2 and 2 more transcripts); c.-192A>C (NM_001350650.2); c.-128A>C (NM_001350651.2, NM_001407082.1); c.-77A>C (NM_001407075.1); short protein forms K27T, K33T, K41T.
Identifiers: ClinVar variation 4113105 (VCV004113105.1).

ClinVar aggregate classification (germline): Uncertain significance (1 of 4 stars; one submission).

Conditions:
Hereditary cancer-predisposing syndrome. Also called: Tumor predisposition; Neoplastic Syndromes, Hereditary; Hereditary neoplastic syndrome; Hereditary Cancer Syndrome. Identifiers: Orphanet 140162, MedGen C0027672, MeSH D009386, MONDO:0015356.

Submission:

Ambry Genetics
Classification: Uncertain significance for Hereditary cancer-predisposing syndrome. Last evaluated: 2025-08-27. Review status: criteria provided, single submitter. Criteria: Ambry Variant Classification Scheme 2023. Collection method: clinical testing. Allele origin: germline.
Comment: The p.K41T variant (also known as c.122A>C), located in coding exon 2 of the MUTYH gene, results from an A to C substitution at nucleotide position 122. The lysine at codon 41 is replaced by threonine, an amino acid with similar properties. This amino acid position is conserved. In addition, this alteration is predicted to be tolerated by in silico analysis. Based on the available evidence, the clinical significance of this variant remains unclear.